The following is an entry in ClinVar:

ClinVar aggregate classification (germline): Uncertain significance. Review status: criteria provided, multiple submitters, no conflicts (2 of 4 stars). 2 submissions from 2 submitters: Uncertain significance (2). Last evaluated 2023-05-03.

Conditions:
Inborn genetic diseases. Identifiers: MedGen C0950123, MeSH D030342.
Hereditary spastic paraplegia 72 (SPG72A). Also called: Spastic paraplegia 72, autosomal recessive. Identifiers: Orphanet 401849, MedGen C5882669, MONDO:0014282, OMIM 615625.

Allele frequency attached by ClinVar (database versions not stated): gnomAD 0.00001; ExAC 0.00003; gnomAD exomes 0.00003 and 0.00004; TOPMed 0.00003; ESP Exome Variant Server 0.00008.
gnomAD v4.1: 46 of 1,613,500 alleles (0.0029%); highest among the groups gnomAD compares: Middle Eastern, 0.033%; no homozygotes.

Submissions (2):

Ambry Genetics
Classification: Uncertain significance for Inborn genetic diseases. Last evaluated: 2023-05-03. Review status: criteria provided, single submitter. Criteria: Ambry Variant Classification Scheme 2023. Collection method: clinical testing. Allele origin: germline.

Labcorp Genetics (formerly Invitae), Labcorp
Classification: Uncertain significance for Hereditary spastic paraplegia 72. Last evaluated: 2021-02-15. Review status: criteria provided, single submitter. Criteria: Invitae Variant Classification Sherloc (09022015). Collection method: clinical testing. Allele origin: germline.
Comment: In summary, the available evidence is currently insufficient to determine the role of this variant in disease. Therefore, it has been classified as a Variant of Uncertain Significance. Algorithms developed to predict the effect of missense changes on protein structure and function are either unavailable or do not agree on the potential impact of this missense change (SIFT: "Tolerated"; PolyPhen-2: "Possibly Damaging"; Align-GVGD: "Class C0"). This variant has not been reported in the literature in individuals with REEP2-related conditions. This variant is present in population databases (rs370729450, ExAC 0.01%). This sequence change replaces arginine with cysteine at codon 173 of the REEP2 protein (p.Arg173Cys). The arginine residue is moderately conserved and there is a large physicochemical difference between arginine and cysteine.

NM_001271803.2(REEP2):c.517C>T (p.Arg173Cys)

Gene: REEP2 (receptor accessory protein 2; plus strand). Cytogenetic location: 5q31.2.
Variant type: single nucleotide variant.
Coding change: c.517C>T on transcript NM_001271803.2 (MANE Select); coding-DNA position 517, C replaced by T.
Protein change: p.Arg173Cys; replaces arginine 173 with cysteine.
Molecular consequence: missense variant. On other transcripts: non-coding transcript variant (2).
Genome position (GRCh38, 1-based): chr5:138,445,327, C>T. VCF-style: chr5-138445327-C-T. GRCh37 (hg19) VCF-style: chr5-137781016-C-T.
Other names: c.511C>T (NM_016606.2); c.511C>T, p.Arg171Cys (NM_016606.4); short protein forms R173C, R171C.
Identifiers: ClinVar variation 1495314 (VCV001495314.8), dbSNP rs370729450, ClinGen allele CA3429842.